The following is an entry in ClinVar:

NM_001572.5(IRF7):c.1280G>A (p.Arg427His)

Gene: IRF7 (interferon regulatory factor 7; minus strand). Cytogenetic location: 11p15.5.
Variant type: single nucleotide variant.
Coding change: c.1280G>A on transcript NM_001572.5 (MANE Select); coding-DNA position 1280, G replaced by A.
Protein change: p.Arg427His; replaces arginine 427 with histidine.
Molecular consequence: missense variant.
Genome position (GRCh38, 1-based): chr11:613,075, C>T on the plus strand (G>A on the coding strand, the complement: IRF7 is on the minus strand). VCF-style: chr11-613075-C-T. GRCh37 (hg19) VCF-style: chr11-613075-C-T.
Other names: c.1193G>A, p.Arg398His (NM_004029.4); c.1319G>A, p.Arg440His (NM_004031.4); short protein forms R398H, R427H, R440H.
Identifiers: ClinVar variation 1446734 (VCV001446734.8), dbSNP rs772011524, ClinGen allele CA5783509.

ClinVar aggregate classification (germline): Uncertain significance (1 of 4 stars; one submission).

Conditions:
Immunodeficiency 39 (IMD39). Identifiers: Orphanet 574918, MedGen C4225358, MONDO:0014597, OMIM 616345.

Allele frequency attached by ClinVar (database versions not stated): ExAC 0.00002; gnomAD 0.00003 and 0.00004; gnomAD exomes 0.00004 and 0.00006.
gnomAD v4.1: 59 of 1,612,928 alleles (0.0037%); highest among the groups gnomAD compares: African/African-American, 0.0067%; no homozygotes.

Submission:

Labcorp Genetics (formerly Invitae), Labcorp
Classification: Uncertain significance for Immunodeficiency 39. Last evaluated: 2025-10-24. Review status: criteria provided, single submitter. Criteria: Invitae Variant Classification Sherloc (09022015). Collection method: clinical testing. Allele origin: germline.
Comment: This sequence change replaces arginine, which is basic and polar, with histidine, which is basic and polar, at codon 440 of the IRF7 protein (p.Arg440His). This variant is present in population databases (rs772011524, gnomAD 0.05%). This variant has not been reported in the literature in individuals affected with IRF7-related conditions. ClinVar contains an entry for this variant (Variation ID: 1446734). Invitae Evidence Modeling of protein sequence and biophysical properties (such as structural, functional, and spatial information, amino acid conservation, physicochemical variation, residue mobility, and thermodynamic stability) indicates that this missense variant is not expected to disrupt IRF7 protein function with a negative predictive value of 80%. In summary, the available evidence is currently insufficient to determine the role of this variant in disease. Therefore, it has been classified as a Variant of Uncertain Significance.